The following is an entry in ClinVar:

NC_000007.13:g.(?_10973263)_(10979684_?)dup

Gene: NDUFA4 (NDUFA4 mitochondrial complex associated; minus strand). Cytogenetic location: 7p21.3.
Variant type: Duplication.
Identifiers: ClinVar variation 3245873 (VCV003245873.1).

ClinVar aggregate classification (germline): Uncertain significance (1 of 4 stars; one submission).

Submission:

Labcorp Genetics (formerly Invitae), Labcorp
Classification: Uncertain significance. Last evaluated: 2023-11-15. Review status: criteria provided, single submitter. Criteria: Invitae Variant Classification Sherloc (09022015). Collection method: clinical testing. Allele origin: unknown.
Comment: A copy number gain of the genomic region encompassing the full coding sequence of the NDUFA4 gene has been identified. The boundaries of this event are unknown as they extend beyond the assayed region for this gene and therefore may encompass additional genes. As the precise location of this event is unknown, it may be in tandem or it may be located elsewhere in the genome. This variant has not been reported in the literature in individuals affected with NDUFA4-related conditions. In summary, the available evidence is currently insufficient to determine the role of this variant in disease. Therefore, it has been classified as a Variant of Uncertain Significance.